The following is an entry in ClinVar:

NM_001080394.4(SPIDR):c.256+7A>G

Gene: SPIDR (scaffold protein involved in DNA repair; plus strand). Cytogenetic location: 8q11.21.
Variant type: single nucleotide variant.
Coding change: c.256+7A>G on transcript NM_001080394.4 (MANE Select); 7 bases into the intron after coding-DNA position 256, A replaced by G.
Molecular consequence: intron variant.
Genome position (GRCh38, 1-based): chr8:47,284,101, A>G. VCF-style: chr8-47284101-A-G. GRCh37 (hg19) VCF-style: chr8-48196690-A-G.
Other names: c.-1072+7A>G (NM_001352958.1); c.-446+7A>G (NM_001352949.1); c.256+7A>G (NM_001352931.1, NM_001352934.1, NM_001352961.1 and 3 more transcripts); c.-244+7A>G (NM_001352951.1, NM_001352948.1, NM_001352946.1); c.-326+7A>G (NM_001352955.1, NM_001352957.1); c.-73+7A>G (NM_001352940.1, NM_001352950.1, NM_001352943.1 and 1 more transcripts); c.-263+7A>G (NM_001352952.1); c.46+4084A>G (NM_001352935.1, NM_001282916.1, NM_001352936.1 and 1 more transcripts); and 6 more.
Identifiers: ClinVar variation 3026800 (VCV003026800.22), dbSNP rs1050635302, ClinGen allele CA176541860.

ClinVar aggregate classification (germline): Likely benign (1 of 4 stars; one submission).

Allele frequency attached by ClinVar (database versions not stated): gnomAD exomes 0.00001; gnomAD 0.00013; TOPMed 0.00014.
gnomAD v4.1: 36 of 1,598,834 alleles (0.0023%); highest among the groups gnomAD compares: African/African-American, 0.044%; no homozygotes.

Submission:

CeGaT Center for Human Genetics Tuebingen
Classification: Likely benign. Last evaluated: 2024-01-01. Review status: criteria provided, single submitter. Criteria: CeGaT Center For Human Genetics Tuebingen Variant Classification Criteria Version 2. Collection method: clinical testing. Allele origin: germline. Affected: yes. Observed: 1 variant allele.
Comment: SPIDR: BP4